The following is an entry in ClinVar:

NM_001365902.3(NFIX):c.416G>A (p.Gly139Glu)

Gene: NFIX (nuclear factor I X; plus strand). Cytogenetic location: 19p13.13.
Variant type: single nucleotide variant.
Coding change: c.416G>A on transcript NM_001365902.3 (MANE Select); coding-DNA position 416, G replaced by A.
Protein change: p.Gly139Glu; replaces glycine 139 with glutamic acid.
Molecular consequence: missense variant.
Genome position (GRCh38, 1-based): chr19:13,025,409, G>A. VCF-style: chr19-13025409-G-A. GRCh37 (hg19) VCF-style: chr19-13136223-G-A.
Other names: c.440G>A, p.Gly147Glu (NM_001271043.2); c.392G>A, p.Gly131Glu (NM_001271044.3, NM_001378404.1); c.416G>A, p.Gly139Glu (NM_001365982.2, NM_002501.4); c.275G>A, p.Gly92Glu (NM_001365983.2); c.413G>A, p.Gly138Glu (NM_001365984.2, NM_001365985.2); c.464G>A, p.Gly155Glu (NM_001378405.1); short protein forms G139E, G147E, G131E, G92E, G138E, G155E.
Identifiers: ClinVar variation 487523 (VCV000487523.2), dbSNP rs1555696625, ClinGen allele CA404315070.

ClinVar aggregate classification (germline): Pathogenic (1 of 4 stars; one submission).

Conditions:
Marshall-Smith syndrome (MRSHSS). Identifiers: Orphanet 561, MedGen C0265211, MONDO:0011244, OMIM 602535.

Submission:

Department of Medical Genetics, Sanjay Gandhi Post Graduate Institute of Medical Sciences
Classification: Pathogenic for Marshall-Smith syndrome. Last evaluated: 2017-03-20. Review status: criteria provided, single submitter. Criteria: ACMG Guidelines, 2015. Collection method: clinical testing. Allele origin: de novo. Inheritance: Autosomal dominant inheritance. Affected: yes. Observed: 1 variant allele, 1 heterozygote.
Comment: This variation is the most likely cause for this syndrome, predicted as pathogenic by MutationTaster, SIFT and PolyPhen. This variant is not reported in ExAC and 1000 Genomes database.